The following is an entry in ClinVar:

ClinVar aggregate classification (germline): Conflicting classifications of pathogenicity. Review status: criteria provided, conflicting classifications (1 of 4 stars). 2 submissions from 2 submitters: Uncertain significance (1); Likely benign (1). Last evaluated 2024-01-31.

Conditions:
Severe X-linked myotubular myopathy (CNMX). Also called: MYOTUBULAR MYOPATHY 1; Myotubular myopathy, X-linked; X-linked centronuclear myopathy. Identifiers: Orphanet 596, MedGen C0410203, MONDO:0010683, OMIM 310400.

Allele frequency attached by ClinVar (database versions not stated): TOPMed 0.00001; gnomAD exomes 0.00003.
gnomAD v4.1: 33 of 1,209,132 alleles (0.0027%); highest among the groups gnomAD compares: Non-Finnish European, 0.0036%; no homozygotes.

Submissions (2):

Labcorp Genetics (formerly Invitae), Labcorp
Classification: Likely benign for Severe X-linked myotubular myopathy. Last evaluated: 2024-01-31. Review status: criteria provided, single submitter. Criteria: Invitae Variant Classification Sherloc (09022015). Collection method: clinical testing. Allele origin: germline.

GeneDx
Classification: Uncertain significance. Last evaluated: 2017-03-06. Review status: criteria provided, single submitter. Criteria: GeneDx Variant Classification (06012015). Collection method: clinical testing. Allele origin: germline. Affected: yes.
Comment: he G248S variant in the MTM1 gene has not been reported previously as a pathogenic variant, nor as a benign variant, to our knowledge. The G248S variant is observed in 2/47954 (0.004%) alleles, which are 2 hemizygous individuals, from individuals of European background in the ExAC dataset (Lek et al., 2016). The G248S variant is a non-conservative amino acid substitution, which is likely to impact secondary protein structure as these residues differ in polarity, charge, size and/or other properties. This substitution occurs at a position that is conserved across species. In silico analysis predicts this variant is probably damaging to the protein structure/function. We interpret G248S as a variant of uncertain significance.

NM_000252.3(MTM1):c.742G>A (p.Gly248Ser)

Gene: MTM1 (myotubularin 1; plus strand). Cytogenetic location: Xq28.
Variant type: single nucleotide variant.
Coding change: c.742G>A on transcript NM_000252.3 (MANE Select); coding-DNA position 742, G replaced by A.
Protein change: p.Gly248Ser; replaces glycine 248 with serine.
Molecular consequence: missense variant.
Genome position (GRCh38, 1-based): chrX:150,645,746, G>A. VCF-style: chrX-150645746-G-A. GRCh37 (hg19) VCF-style: chrX-149814219-G-A.
Other names: c.742G>A, p.Gly248Ser (NM_001376906.1, NM_001376908.1); c.631G>A, p.Gly211Ser (NM_001376907.1); short protein forms G248S, G211S.
Identifiers: ClinVar variation 423812 (VCV000423812.11), dbSNP rs368335697, ClinGen allele CA10539155.